The following is an entry in ClinVar:

NM_006662.3(SRCAP):c.7723T>A (p.Ser2575Thr)

Gene: SRCAP (Snf2 related CREBBP activator protein; plus strand). Cytogenetic location: 16p11.2.
Variant type: single nucleotide variant.
Coding change: c.7723T>A on transcript NM_006662.3 (MANE Select); coding-DNA position 7723, T replaced by A.
Protein change: p.Ser2575Thr; replaces serine 2575 with threonine.
Molecular consequence: missense variant.
Genome position (GRCh38, 1-based): chr16:30,737,763, T>A. VCF-style: chr16-30737763-T-A. GRCh37 (hg19) VCF-style: chr16-30749084-T-A.
Other names: c.7723T>A (NM_006662.2); short protein forms S2575T.
Identifiers: ClinVar variation 288884 (VCV000288884.38), dbSNP rs368587038, ClinGen allele CA8012537.
Genomic context (GRCh38, chr16:30,737,763, plus strand): 5'-GCCCAGGCATTGGCATCTCCAGAGTCCCTGGAGCTGGCTTCTGTGGCCAGTTCAGAAACC[T>A]CCTCACTTTCTCTTGTGCCCCCTAAAGATCTGTTGCCAGTTGCTGTGGAGATCCTGCCTG-3'
Protein context (NP_006653.2, residues 2565-2585): ELASVASSET[Ser2575Thr]SLSLVPPKDL

ClinVar aggregate classification (germline): Conflicting classifications of pathogenicity. Review status: criteria provided, conflicting classifications (1 of 4 stars). 5 submissions from 5 submitters: Uncertain significance (2); Likely benign (2). 1 of the submissions does not count toward it. Last evaluated 2025-12-01.

Conditions:
SRCAP-related disorder. Also called: SRCAP-related condition.

Allele frequency attached by ClinVar (database versions not stated): ESP Exome Variant Server 0.00015; gnomAD 0.00016.
gnomAD v4.1: 371 of 1,613,894 alleles (0.023%); highest among the groups gnomAD compares: Non-Finnish European, 0.029%; no homozygotes.

Submissions (5):

Labcorp Genetics (formerly Invitae), Labcorp
Classification: Uncertain significance. Last evaluated: 2025-12-01. Review status: criteria provided, single submitter. Criteria: Invitae Variant Classification Sherloc (09022015). Collection method: clinical testing. Allele origin: germline.
Comment: This sequence change replaces serine, which is neutral and polar, with threonine, which is neutral and polar, at codon 2575 of the SRCAP protein (p.Ser2575Thr). This variant is present in population databases (rs368587038, gnomAD 0.03%), and has an allele count higher than expected for a pathogenic variant. This variant has not been reported in the literature in individuals affected with SRCAP-related conditions. ClinVar contains an entry for this variant (Variation ID: 288884). Invitae Evidence Modeling of protein sequence and biophysical properties (such as structural, functional, and spatial information, amino acid conservation, physicochemical variation, residue mobility, and thermodynamic stability) indicates that this missense variant is not expected to disrupt SRCAP protein function with a negative predictive value of 80%. In summary, the available evidence is currently insufficient to determine the role of this variant in disease. Therefore, it has been classified as a Variant of Uncertain Significance.

CeGaT Center for Human Genetics Tuebingen
Classification: Likely benign. Last evaluated: 2025-07-01. Review status: criteria provided, single submitter. Criteria: CeGaT Center For Human Genetics Tuebingen Variant Classification Criteria Version 2. Collection method: clinical testing. Allele origin: germline. Affected: yes. Observed: 3 variant alleles.
Comment: SRCAP: BP4

Blueprint Genetics
Classification: Likely benign. Last evaluated: 2024-03-19. Review status: criteria provided, single submitter. Criteria: ACMG Guidelines, 2015. Collection method: clinical testing. Allele origin: germline.

Eurofins Ntd Llc (ga)
Classification: Uncertain significance. Last evaluated: 2016-07-15. Review status: criteria provided, single submitter. Criteria: EGL Classification Definitions 2015. Collection method: clinical testing. Allele origin: germline. Observed: 1 variant allele, 1 heterozygote.

PreventionGenetics, part of Exact Sciences
Classification: Likely benign for SRCAP-related condition. Last evaluated: 2023-09-15. Review status: no assertion criteria provided. Collection method: clinical testing. Allele origin: germline. Not counted in ClinVar's aggregate classification.
Comment: This variant is classified as likely benign based on ACMG/AMP sequence variant interpretation guidelines (Richards et al. 2015 PMID: 25741868, with internal and published modifications).